The following is an entry in ClinVar:

ClinVar aggregate classification (germline): Uncertain significance (1 of 4 stars; one submission).

Allele frequency attached by ClinVar (database versions not stated): gnomAD exomes below 0.00001; gnomAD 0.00001; TOPMed 0.00001.
gnomAD v4.1: 7 of 1,614,002 alleles (0.00043%); highest among the groups gnomAD compares: Non-Finnish European, 0.00059%; no homozygotes.

Submission:

Labcorp Genetics (formerly Invitae), Labcorp
Classification: Uncertain significance. Last evaluated: 2022-07-26. Review status: criteria provided, single submitter. Criteria: Invitae Variant Classification Sherloc (09022015). Collection method: clinical testing. Allele origin: germline.
Comment: This sequence change replaces aspartic acid, which is acidic and polar, with histidine, which is basic and polar, at codon 754 of the TTLL5 protein (p.Asp754His). This variant is present in population databases (no rsID available, gnomAD 0.007%). This variant has not been reported in the literature in individuals affected with TTLL5-related conditions. ClinVar contains an entry for this variant (Variation ID: 1009898). Algorithms developed to predict the effect of missense changes on protein structure and function are either unavailable or do not agree on the potential impact of this missense change (SIFT: "Deleterious"; PolyPhen-2: "Possibly Damaging"; Align-GVGD: "Class C0"). In summary, the available evidence is currently insufficient to determine the role of this variant in disease. Therefore, it has been classified as a Variant of Uncertain Significance.

NM_015072.5(TTLL5):c.2260G>C (p.Asp754His)

Gene: TTLL5 (tubulin tyrosine ligase like 5; plus strand). Cytogenetic location: 14q24.3.
Variant type: single nucleotide variant.
Coding change: c.2260G>C on transcript NM_015072.5 (MANE Select); coding-DNA position 2260, G replaced by C.
Protein change: p.Asp754His; replaces aspartic acid 754 with histidine.
Molecular consequence: missense variant.
Genome position (GRCh38, 1-based): chr14:75,775,607, G>C. VCF-style: chr14-75775607-G-C. GRCh37 (hg19) VCF-style: chr14-76241950-G-C.
Other names: short protein forms D754H.
Identifiers: ClinVar variation 1009898 (VCV001009898.8), dbSNP rs1488865083, ClinGen allele CA390469309.